The following is an entry in ClinVar:

ClinVar aggregate classification (germline): Uncertain significance (1 of 4 stars; one submission).

Conditions:
Chondrodysplasia punctata, brachytelephalangic, autosomal. Also called: BRACHYTELEPHALANGIC CHONDRODYSPLASIA PUNCTATA. Identifiers: MedGen C1844853, MONDO:0011238, OMIM 602497.

Allele frequency attached by ClinVar (database versions not stated): gnomAD exomes below 0.00001; TOPMed 0.00001.

Submission:

Labcorp Genetics (formerly Invitae), Labcorp
Classification: Uncertain significance for Chondrodysplasia punctata, brachytelephalangic, autosomal. Last evaluated: 2024-01-19. Review status: criteria provided, single submitter. Criteria: Invitae Variant Classification Sherloc (09022015). Collection method: clinical testing. Allele origin: germline.
Comment: This sequence change replaces proline, which is neutral and non-polar, with leucine, which is neutral and non-polar, at codon 499 of the ARSE protein (p.Pro499Leu). This variant is present in population databases (no rsID available, gnomAD 0.01%). This variant has not been reported in the literature in individuals affected with ARSE-related conditions. Advanced modeling of protein sequence and biophysical properties (such as structural, functional, and spatial information, amino acid conservation, physicochemical variation, residue mobility, and thermodynamic stability) has been performed at Invitae for this missense variant, however the output from this modeling did not meet the statistical confidence thresholds required to predict the impact of this variant on ARSE protein function. In summary, the available evidence is currently insufficient to determine the role of this variant in disease. Therefore, it has been classified as a Variant of Uncertain Significance.

NM_000047.3(ARSL):c.1496C>T (p.Pro499Leu)

Gene: ARSL (arylsulfatase L; minus strand). Cytogenetic location: Xp22.33.
Variant type: single nucleotide variant.
Coding change: c.1496C>T on transcript NM_000047.3 (MANE Select); coding-DNA position 1496, C replaced by T.
Protein change: p.Pro499Leu; replaces proline 499 with leucine.
Molecular consequence: missense variant.
Genome position (GRCh38, 1-based): chrX:2,935,106, G>A on the plus strand (C>T on the coding strand, the complement: ARSL is on the minus strand). VCF-style: chrX-2935106-G-A. GRCh37 (hg19) VCF-style: chrX-2853147-G-A.
Other names: c.1571C>T, p.Pro524Leu (NM_001282628.2, NM_001369080.1); c.1334C>T, p.Pro445Leu (NM_001282631.2); c.1523C>T, p.Pro508Leu (NM_001369079.1); short protein forms P524L, P508L, P445L, P499L.
Identifiers: ClinVar variation 3014400 (VCV003014400.3), dbSNP rs1417395196, ClinGen allele CA412275665.